The following is an entry in ClinVar:

NM_024490.4(ATP10A):c.2790C>T (p.Cys930=)

Gene: ATP10A (ATPase phospholipid transporting 10A (putative); minus strand). Cytogenetic location: 15q12.
Variant type: single nucleotide variant.
Coding change: c.2790C>T on transcript NM_024490.4 (MANE Select); coding-DNA position 2790, C replaced by T.
Protein change: p.Cys930=; no amino-acid change (cysteine 930 retained).
Molecular consequence: synonymous variant.
Genome position (GRCh38, 1-based): chr15:25,695,117, G>A on the plus strand (C>T on the coding strand, the complement: ATP10A is on the minus strand). VCF-style: chr15-25695117-G-A. GRCh37 (hg19) VCF-style: chr15-25940264-G-A.
Identifiers: ClinVar variation 3048810 (VCV003048810.2), dbSNP rs140559437, ClinGen allele CA7436340.

ClinVar aggregate classification (germline): Likely benign (0 of 4 stars; one submission).

Conditions:
ATP10A-related disorder. Also called: ATP10A-related condition.

Allele frequency attached by ClinVar (database versions not stated): gnomAD exomes 0.00002; ExAC 0.00006; ESP Exome Variant Server 0.00015; TOPMed 0.00017; gnomAD 0.00018.
gnomAD v4.1: 52 of 1,613,782 alleles (0.0032%); highest among the groups gnomAD compares: African/African-American, 0.067%; no homozygotes.

Submission:

PreventionGenetics, part of Exact Sciences
Classification: Likely benign for ATP10A-related condition. Last evaluated: 2019-11-26. Review status: no assertion criteria provided. Collection method: clinical testing. Allele origin: germline.
Comment: This variant is classified as likely benign based on ACMG/AMP sequence variant interpretation guidelines (Richards et al. 2015 PMID: 25741868, with internal and published modifications).